The following is an entry in ClinVar:

NM_058216.3(RAD51C):c.633del (p.Arg212fs)

Genes: RAD51C (RAD51 paralog C; plus strand), LOC129390903 (MPRA-validated peak2919 silencer; plus strand). Cytogenetic location: 17q22.
Variant type: Deletion.
Coding change: c.633del on transcript NM_058216.3 (MANE Select); coding-DNA position 633, one base deleted (T; older notation c.633delT).
Protein change: p.Arg212fs; shifts the reading frame from arginine 212.
Molecular consequence: frameshift variant. On other transcripts: non-coding transcript variant (1).
Genome position (GRCh38, 1-based): chr17:58,703,257, T deleted; the last of 4 consecutive T bases (chr17:58,703,254-58,703,257); deleting any one gives the same sequence. VCF-style (leftmost placement, unchanged base first): chr17-58703253-AT-A. GRCh37 (hg19) VCF-style: chr17-56780614-AT-A.
Other names: short protein forms R212fs.
Identifiers: ClinVar variation 4149893 (VCV004149893.1).

ClinVar aggregate classification (germline): Pathogenic (1 of 4 stars; one submission).

Conditions:
Hereditary cancer-predisposing syndrome. Also called: Hereditary neoplastic syndrome; Neoplastic Syndromes, Hereditary; Tumor predisposition; Hereditary Cancer Syndrome. Identifiers: Orphanet 140162, MedGen C0027672, MeSH D009386, MONDO:0015356.

Submission:

Ambry Genetics
Classification: Pathogenic for Hereditary cancer-predisposing syndrome. Last evaluated: 2025-08-15. Review status: criteria provided, single submitter. Criteria: Ambry Variant Classification Scheme 2023. Collection method: clinical testing. Allele origin: germline.
Comment: The c.633delT pathogenic mutation, located in coding exon 4 of the RAD51C gene, results from a deletion of one nucleotide at nucleotide position 633, causing a translational frameshift with a predicted alternate stop codon (p.R212Afs*27). This variant is considered to be rare based on population cohorts in the Genome Aggregation Database (gnomAD). This alteration is expected to result in loss of function by premature protein truncation or nonsense-mediated mRNA decay. As such, this alteration is interpreted as a disease-causing mutation.